The following is an entry in ClinVar:

NM_007375.4(TARDBP):c.883G>C (p.Gly295Arg)

Gene: TARDBP (TAR DNA binding protein; plus strand). Cytogenetic location: 1p36.22.
Variant type: single nucleotide variant.
Coding change: c.883G>C on transcript NM_007375.4 (MANE Select); coding-DNA position 883, G replaced by C.
Protein change: p.Gly295Arg; replaces glycine 295 with arginine.
Molecular consequence: missense variant.
Genome position (GRCh38, 1-based): chr1:11,022,292, G>C. VCF-style: chr1-11022292-G-C. GRCh37 (hg19) VCF-style: chr1-11082349-G-C.
Other names: short protein forms G295R.
Identifiers: ClinVar variation 1806944 (VCV001806944.6), dbSNP rs80356723, ClinGen allele CA17876173.
Genomic context (GRCh38, chr1:11,022,292, plus strand): 5'-AGATTTGGTGGTAATCCAGGTGGCTTTGGGAATCAGGGTGGATTTGGTAATAGCAGAGGG[G>C]GTGGAGCTGGTTTGGGAAACAATCAAGGTAGTAATATGGGTGGTGGGATGAACTTTGGTG-3'
Protein context (NP_031401.1, residues 285-305): NQGGFGNSRG[Gly295Arg]GAGLGNNQGS

ClinVar aggregate classification (germline): Conflicting classifications of pathogenicity. Review status: criteria provided, conflicting classifications (1 of 4 stars). 2 submissions from 2 submitters: Pathogenic (1); Uncertain significance (1). Last evaluated 2022-03-05.

Conditions:
Amyotrophic lateral sclerosis type 10 (ALS10). Also called: TARDBP-Related Amyotrophic Lateral Sclerosis-Frontotemporal Dementia; AMYOTROPHIC LATERAL SCLEROSIS 10 WITHOUT FRONTOTEMPORAL DEMENTIA AND WITH TDP43 INCLUSIONS; AMYOTROPHIC LATERAL SCLEROSIS 10 WITH OR WITHOUT FRONTOTEMPORAL DEMENTIA AND WITH TDP43 INCLUSIONS; AMYOTROPHIC LATERAL SCLEROSIS 10 WITH OR WITHOUT FRONTOTEMPORAL DEMENTIA; Amyotrophic lateral sclerosis 10, with or without FTD. Identifiers: Orphanet 275872, Orphanet 803, MedGen C2677565, MONDO:0012790, OMIM 612069.
FRONTOTEMPORAL LOBAR DEGENERATION WITH TDP43 INCLUSIONS, TARDBP-RELATED. Also called: Frontotemporal lobar degeneration, TARDBP-related. Identifiers: MedGen C3150169, OMIM 612069.

Submissions (2):

Labcorp Genetics (formerly Invitae), Labcorp
Classification: Pathogenic for Amyotrophic lateral sclerosis type 10; FRONTOTEMPORAL LOBAR DEGENERATION WITH TDP43 INCLUSIONS, TARDBP-RELATED. Last evaluated: 2022-03-05. Review status: criteria provided, single submitter. Criteria: Invitae Variant Classification Sherloc (09022015). Collection method: clinical testing. Allele origin: germline.
Comment: This sequence change replaces glycine, which is neutral and non-polar, with arginine, which is basic and polar, at codon 295 of the TARDBP protein (p.Gly295Arg). This variant is present in population databases (rs80356723, gnomAD 0.0009%). This missense change has been observed in individuals with amyotrophic lateral sclerosis (PMID: 19224587, 20031275, 25913742). Algorithms developed to predict the effect of missense changes on protein structure and function (SIFT, PolyPhen-2, Align-GVGD) all suggest that this variant is likely to be tolerated. Experimental studies have shown that this missense change affects TARDBP function (PMID: 28335005). This variant disrupts the p.Gly295 amino acid residue in TARDBP. Other variant(s) that disrupt this residue have been determined to be pathogenic (PMID: 19224587, 19350673, 28335005). This suggests that this residue is clinically significant, and that variants that disrupt this residue are likely to be disease-causing. For these reasons, this variant has been classified as Pathogenic.

Athena Diagnostics
Classification: Uncertain significance. Last evaluated: 2022-02-07. Review status: criteria provided, single submitter. Criteria: Athena Diagnostics Criteria. Collection method: clinical testing. Allele origin: unknown.

Literature cited by the submitters: PubMed 19224587 (cited by Labcorp Genetics (formerly Invitae), Labcorp and Athena Diagnostics); PubMed 20031275 (cited by Labcorp Genetics (formerly Invitae), Labcorp and Athena Diagnostics); PubMed 25913742 (cited by Labcorp Genetics (formerly Invitae), Labcorp and Athena Diagnostics); PubMed 28335005 (cited by Labcorp Genetics (formerly Invitae), Labcorp and Athena Diagnostics); PubMed 19350673 (cited by Labcorp Genetics (formerly Invitae), Labcorp); PubMed 32951934 (cited by Athena Diagnostics); PubMed 28487370 (cited by Athena Diagnostics).